The following is an entry in ClinVar:

NM_000059.4(BRCA2):c.6646T>G (p.Ser2216Ala)

Gene: BRCA2 (BRCA2 DNA repair associated; plus strand). Cytogenetic location: 13q13.1.
Variant type: single nucleotide variant.
Coding change: c.6646T>G on transcript NM_000059.4 (MANE Select); coding-DNA position 6646, T replaced by G.
Protein change: p.Ser2216Ala; replaces serine 2216 with alanine.
Molecular consequence: missense variant.
Genome position (GRCh38, 1-based): chr13:32,341,001, T>G. VCF-style: chr13-32341001-T-G. GRCh37 (hg19) VCF-style: chr13-32915138-T-G.
Other names: short protein forms S2216A.
Identifiers: ClinVar variation 479318 (VCV000479318.19), dbSNP rs918816907, ClinGen allele CA247514266.

ClinVar aggregate classification (germline): Conflicting classifications of pathogenicity. Review status: criteria provided, conflicting classifications (1 of 4 stars). 5 submissions from 5 submitters: Uncertain significance (4); Likely benign (1). Last evaluated 2026-01-02.

Conditions:
Hereditary breast ovarian cancer syndrome. Also called: Hereditary breast and ovarian cancer syndrome (HBOC); Hereditary breast and ovarian cancer syndrome; Breast and ovarian cancer; BRCA1- and BRCA2-Associated Hereditary Breast and Ovarian Cancer; Hereditary breast and ovarian cancer; Hereditary breast and/or ovarian cancer syndrome. Identifiers: Orphanet 145, MedGen C0677776, MeSH D061325, MONDO:0003582. Disease mechanism: loss of function.
Hereditary cancer-predisposing syndrome. Also called: Neoplastic Syndromes, Hereditary; Hereditary Cancer Syndrome; Hereditary neoplastic syndrome; Tumor predisposition. Identifiers: Orphanet 140162, MedGen C0027672, MeSH D009386, MONDO:0015356.

Allele frequency attached by ClinVar (database versions not stated): gnomAD 0.00001; TOPMed 0.00001.
gnomAD v4.1: 2 of 1,612,516 alleles (0.00012%); highest among the groups gnomAD compares: African/African-American, 0.0027%; no homozygotes.

Submissions (5):

Labcorp Genetics (formerly Invitae), Labcorp
Classification: Uncertain significance for Hereditary breast ovarian cancer syndrome. Last evaluated: 2026-01-02. Review status: criteria provided, single submitter. Criteria: Invitae Variant Classification Sherloc (09022015). Collection method: clinical testing. Allele origin: germline.
Comment: This sequence change replaces serine, which is neutral and polar, with alanine, which is neutral and non-polar, at codon 2216 of the BRCA2 protein (p.Ser2216Ala). This variant is not present in population databases (gnomAD no frequency). This variant has not been reported in the literature in individuals affected with BRCA2-related conditions. ClinVar contains an entry for this variant (Variation ID: 479318). Invitae Evidence Modeling of protein sequence and biophysical properties (such as structural, functional, and spatial information, amino acid conservation, physicochemical variation, residue mobility, and thermodynamic stability) indicates that this missense variant is not expected to disrupt BRCA2 protein function with a negative predictive value of 95%. In summary, the available evidence is currently insufficient to determine the role of this variant in disease. Therefore, it has been classified as a Variant of Uncertain Significance.

Ambry Genetics
Classification: Uncertain significance for Hereditary cancer-predisposing syndrome. Last evaluated: 2025-09-02. Review status: criteria provided, single submitter. Criteria: Ambry Variant Classification Scheme 2023. Collection method: clinical testing. Allele origin: germline.
Comment: The p.S2216A variant (also known as c.6646T>G), located in coding exon 10 of the BRCA2 gene, results from a T to G substitution at nucleotide position 6646. The serine at codon 2216 is replaced by alanine, an amino acid with similar properties. This amino acid position is well conserved in available vertebrate species. In addition, the in silico prediction for this alteration is inconclusive. Since supporting evidence is limited at this time, the clinical significance of this alteration remains unclear.

University of Washington Department of Laboratory Medicine, University of Washington
Classification: Likely benign for Hereditary cancer-predisposing syndrome. Last evaluated: 2023-03-23. Review status: criteria provided, single submitter. Criteria: Dines et al. (Genet Med. 2020). Collection method: curation. Allele origin: germline.
Comment: Missense variant in a coldspot region where missense variants are very unlikely to be pathogenic (PMID:31911673).

BRCA2 exon 11 coldspot. Reclassification based on statistical prior probability.

Women's Health and Genetics/Laboratory Corporation of America, LabCorp
Classification: Uncertain significance. Last evaluated: 2022-01-02. Review status: criteria provided, single submitter. Criteria: LabCorp Variant Classification Summary - May 2015. Collection method: clinical testing. Allele origin: germline.

Color Diagnostics, LLC DBA Color Health
Classification: Uncertain significance for Hereditary cancer-predisposing syndrome. Last evaluated: 2020-07-13. Review status: criteria provided, single submitter. Criteria: ACMG Guidelines, 2015. Collection method: clinical testing. Allele origin: germline.
Comment: This missense variant replaces serine with alanine at codon 2216 of the BRCA2 protein. Computational prediction suggests that this variant may not impact protein structure and function (internally defined REVEL score threshold <= 0.5, PMID: 27666373). To our knowledge, functional studies have not been reported for this variant. This variant has not been reported in individuals affected with hereditary cancer in the literature. This variant has not been identified in the general population by the Genome Aggregation Database (gnomAD). The available evidence is insufficient to determine the role of this variant in disease conclusively. Therefore, this variant is classified as a Variant of Uncertain Significance.